The following is an entry in ClinVar:

NM_005045.4(RELN):c.9826G>T (p.Ala3276Ser)

Genes: RELN (reelin; minus strand), SLC26A5-AS1 (SLC26A5 antisense RNA 1; plus strand). Cytogenetic location: 7q22.1.
Variant type: single nucleotide variant.
Coding change: c.9826G>T on transcript NM_005045.4 (MANE Select); coding-DNA position 9826, G replaced by T.
Protein change: p.Ala3276Ser; replaces alanine 3276 with serine.
Molecular consequence: missense variant.
Genome position (GRCh38, 1-based): chr7:103,486,354, C>A on the plus strand (G>T on the coding strand, the complement: RELN is on the minus strand). VCF-style: chr7-103486354-C-A. GRCh37 (hg19) VCF-style: chr7-103126801-C-A.
Other names: c.9826G>T (NM_005045.3); c.9826G>T, p.Ala3276Ser (NM_173054.3); short protein forms A3276S.
Identifiers: ClinVar variation 2081718 (VCV002081718.5), dbSNP rs781713047, ClinGen allele CA368741957.

ClinVar aggregate classification (germline): Uncertain significance. Review status: criteria provided, multiple submitters, no conflicts (2 of 4 stars). 2 submissions from 2 submitters: Uncertain significance (2). Last evaluated 2025-04-28.

Conditions:
Familial temporal lobe epilepsy 7. Identifiers: Orphanet 101046, MedGen C4225327, MONDO:0014639, OMIM 616436.
Norman-Roberts syndrome (LIS2). Also called: Lissencephaly 2 (Norman-Roberts type). Identifiers: Orphanet 89844, MedGen C0796089, MONDO:0009760, OMIM 257320.
Inborn genetic diseases. Identifiers: MedGen C0950123, MeSH D030342.

gnomAD v4.1: 3 of 1,614,100 alleles (0.00019%); highest among the groups gnomAD compares: Admixed American, 0.0033%; no homozygotes.

Submissions (2):

Labcorp Genetics (formerly Invitae), Labcorp
Classification: Uncertain significance for Familial temporal lobe epilepsy 7; Norman-Roberts syndrome. Last evaluated: 2025-04-28. Review status: criteria provided, single submitter. Criteria: Invitae Variant Classification Sherloc (09022015). Collection method: clinical testing. Allele origin: germline.
Comment: This sequence change replaces alanine, which is neutral and non-polar, with serine, which is neutral and polar, at codon 3276 of the RELN protein (p.Ala3276Ser). This variant is present in population databases (no rsID available, gnomAD 0.003%). This variant has not been reported in the literature in individuals affected with RELN-related conditions. ClinVar contains an entry for this variant (Variation ID: 2081718). Invitae Evidence Modeling of protein sequence and biophysical properties (such as structural, functional, and spatial information, amino acid conservation, physicochemical variation, residue mobility, and thermodynamic stability) indicates that this missense variant is not expected to disrupt RELN protein function with a negative predictive value of 80%. In summary, the available evidence is currently insufficient to determine the role of this variant in disease. Therefore, it has been classified as a Variant of Uncertain Significance.

Ambry Genetics
Classification: Uncertain significance for Inborn genetic diseases. Last evaluated: 2025-03-07. Review status: criteria provided, single submitter. Criteria: Ambry Variant Classification Scheme 2023. Collection method: clinical testing. Allele origin: germline.